The following is an entry in ClinVar:

ClinVar aggregate classification (germline): Uncertain significance. Review status: criteria provided, multiple submitters, no conflicts (2 of 4 stars). 2 submissions from 2 submitters: Uncertain significance (2). Last evaluated 2024-02-20.

Conditions:
Hereditary cancer-predisposing syndrome. Also called: Tumor predisposition; Hereditary Cancer Syndrome; Neoplastic Syndromes, Hereditary; Hereditary neoplastic syndrome. Identifiers: Orphanet 140162, MedGen C0027672, MeSH D009386, MONDO:0015356.
Gorlin syndrome. Also called: Nevoid Basal Cell Carcinoma Syndrome; Basal cell nevus syndrome. Identifiers: Orphanet 377, MedGen C0004779, MONDO:0007187.

Allele frequency attached by ClinVar (database versions not stated): gnomAD exomes below 0.00001.
gnomAD v4.1: 1 of 1,614,174 alleles (0.000062%); highest among the groups gnomAD compares: Admixed American, 0.0017%; no homozygotes.

Submissions (2):

Ambry Genetics
Classification: Uncertain significance for Hereditary cancer-predisposing syndrome. Last evaluated: 2024-02-20. Review status: criteria provided, single submitter. Criteria: Ambry Variant Classification Scheme 2023. Collection method: clinical testing. Allele origin: germline.
Comment: The p.Q905K variant (also known as c.2713C>A), located in coding exon 17 of the PTCH1 gene, results from a C to A substitution at nucleotide position 2713. The glutamine at codon 905 is replaced by lysine, an amino acid with similar properties. This amino acid position is conserved. In addition, the in silico prediction for this alteration is inconclusive. Based on the available evidence, the clinical significance of this alteration remains unclear.

Labcorp Genetics (formerly Invitae), Labcorp
Classification: Uncertain significance for Gorlin syndrome. Last evaluated: 2019-12-16. Review status: criteria provided, single submitter. Criteria: Invitae Variant Classification Sherloc (09022015). Collection method: clinical testing. Allele origin: germline.
Comment: In summary, the available evidence is currently insufficient to determine the role of this variant in disease. Therefore, it has been classified as a Variant of Uncertain Significance. Algorithms developed to predict the effect of missense changes on protein structure and function (SIFT, PolyPhen-2, Align-GVGD) all suggest that this variant is likely to be tolerated, but these predictions have not been confirmed by published functional studies and their clinical significance is uncertain. This variant has not been reported in the literature in individuals with PTCH1-related conditions. ClinVar contains an entry for this variant (Variation ID: 219438). This variant is not present in population databases (ExAC no frequency). This sequence change replaces glutamine with lysine at codon 905 of the PTCH1 protein (p.Gln905Lys). The glutamine residue is moderately conserved and there is a small physicochemical difference between glutamine and lysine.

NM_000264.5(PTCH1):c.2713C>A (p.Gln905Lys)

Gene: PTCH1 (patched 1; minus strand). Cytogenetic location: 9q22.32.
Variant type: single nucleotide variant.
Coding change: c.2713C>A on transcript NM_000264.5 (MANE Select); coding-DNA position 2713, C replaced by A.
Protein change: p.Gln905Lys; replaces glutamine 905 with lysine.
Molecular consequence: missense variant. On other transcripts: non-coding transcript variant (1).
Genome position (GRCh38, 1-based): chr9:95,459,774, G>T on the plus strand (C>A on the coding strand, the complement: PTCH1 is on the minus strand). VCF-style: chr9-95459774-G-T. GRCh37 (hg19) VCF-style: chr9-98222056-G-T.
Other names: c.2515C>A, p.Gln839Lys (NM_001083602.3); c.2710C>A, p.Gln904Lys (NM_001083603.3); c.2260C>A, p.Gln754Lys (NM_001083604.3, NM_001083605.3, NM_001083606.3 and 1 more transcripts); c.2557C>A, p.Gln853Lys (NM_001354918.2); short protein forms Q839K, Q905K, Q853K, Q754K, Q904K.
Identifiers: ClinVar variation 219438 (VCV000219438.12), dbSNP rs864622088, ClinGen allele CA349589.
Genomic context (GRCh38, chr9:95,459,774, plus strand): 5'-CCGTCAGGTAGATGTAGAAAGCGCTGGGATTAATGATGCCATCTGCATCCACCAGACGCT[G>T]TTTAGTCAACTACAAAAACGGGAAGAACAGAGGCCTTTGAGAATGGGGTTGGGGGTAAAC-3'
Protein context (NP_000255.2, residues 895-915): KPIDISQLTK[Gln905Lys]RLVDADGIIN